The following is an entry in ClinVar:

ClinVar aggregate classification (germline): Uncertain significance (1 of 4 stars; one submission).

Conditions:
Multiple acyl-CoA dehydrogenase deficiency (MADD). Also called: Glutaric aciduria, type 2; Glutaric Acidemia type 2; ETHYLMALONIC-ADIPICACIDURIA; GA II; Glutaric acidemia type II; GA 2. Identifiers: Orphanet 26791, MedGen C0268596, MONDO:0009282, OMIM 231680.

Allele frequency attached by ClinVar (database versions not stated): gnomAD exomes below 0.00001.
gnomAD v4.1: 1 of 1,607,746 alleles (0.000062%); highest among the groups gnomAD compares: East Asian, 0.0022%; no homozygotes.

Submission:

Labcorp Genetics (formerly Invitae), Labcorp
Classification: Uncertain significance for Multiple acyl-CoA dehydrogenase deficiency. Last evaluated: 2024-08-13. Review status: criteria provided, single submitter. Criteria: Invitae Variant Classification Sherloc (09022015). Collection method: clinical testing. Allele origin: germline.
Comment: This sequence change replaces valine, which is neutral and non-polar, with phenylalanine, which is neutral and non-polar, at codon 316 of the ETFA protein (p.Val316Phe). This variant is not present in population databases (gnomAD no frequency). This variant has not been reported in the literature in individuals affected with ETFA-related conditions. ClinVar contains an entry for this variant (Variation ID: 583317). Advanced modeling of protein sequence and biophysical properties (such as structural, functional, and spatial information, amino acid conservation, physicochemical variation, residue mobility, and thermodynamic stability) performed at Invitae indicates that this missense variant is expected to disrupt ETFA protein function with a positive predictive value of 80%. In summary, the available evidence is currently insufficient to determine the role of this variant in disease. Therefore, it has been classified as a Variant of Uncertain Significance.

NM_000126.4(ETFA):c.946G>T (p.Val316Phe)

Gene: ETFA (electron transfer flavoprotein subunit alpha; minus strand). Cytogenetic location: 15q24.2.
Variant type: single nucleotide variant.
Coding change: c.946G>T on transcript NM_000126.4 (MANE Select); coding-DNA position 946, G replaced by T.
Protein change: p.Val316Phe; replaces valine 316 with phenylalanine.
Molecular consequence: missense variant.
Genome position (GRCh38, 1-based): chr15:76,225,866, C>A on the plus strand (G>T on the coding strand, the complement: ETFA is on the minus strand). VCF-style: chr15-76225866-C-A. GRCh37 (hg19) VCF-style: chr15-76518207-C-A.
Other names: c.799G>T, p.Val267Phe (NM_001127716.2); short protein forms V316F, V267F.
Identifiers: ClinVar variation 583317 (VCV000583317.7), dbSNP rs1567195832, ClinGen allele CA393513736.